The following is an entry in ClinVar:

NC_000012.12:g.121626857C>G

Genes: ORAI1 (ORAI calcium release-activated calcium modulator 1; plus strand), LOC130008987 (ATAC-STARR-seq lymphoblastoid silent region 4981; plus strand). Cytogenetic location: 12q24.31.
Variant type: single nucleotide variant.
Genome position: GRCh38 VCF-style: chr12-121626857-C-G. GRCh37 (hg19) VCF-style: chr12-122064762-C-G.
Other names: c.115C>G, p.Pro39Ala (NM_032790.4); short protein forms P39A.
Identifiers: ClinVar variation 541940 (VCV000541940.7), dbSNP rs782531427, ClinGen allele CA6837415.

ClinVar aggregate classification (germline): Uncertain significance (1 of 4 stars; one submission).

Conditions:
Combined immunodeficiency due to ORAI1 deficiency. Also called: IMMUNODEFICIENCY 9. Identifiers: Orphanet 169090, Orphanet 317428, MedGen C2748568, MONDO:0013007, OMIM 612782.
Myopathy, tubular aggregate, 2 (TAM2). Identifiers: MedGen C4014557, MONDO:0014383, OMIM 615883.

Submission:

Labcorp Genetics (formerly Invitae), Labcorp
Classification: Uncertain significance for Myopathy, tubular aggregate, 2; Combined immunodeficiency due to ORAI1 deficiency. Last evaluated: 2024-02-24. Review status: criteria provided, single submitter. Criteria: Invitae Variant Classification Sherloc (09022015). Collection method: clinical testing. Allele origin: germline.
Comment: This sequence change replaces proline, which is neutral and non-polar, with alanine, which is neutral and non-polar, at codon 39 of the ORAI1 protein (p.Pro39Ala). This variant is not present in population databases (gnomAD no frequency). This variant has not been reported in the literature in individuals affected with ORAI1-related conditions. ClinVar contains an entry for this variant (Variation ID: 541940). Algorithms developed to predict the effect of variants on protein structure and function are not available or were not evaluated for this variant. Experimental studies are conflicting or provide insufficient evidence to determine the effect of this variant on ORAI1 function (PMID: 19182790). In summary, the available evidence is currently insufficient to determine the role of this variant in disease. Therefore, it has been classified as a Variant of Uncertain Significance.

Literature cited by the submitters: PubMed 19182790.